The following is an entry in ClinVar:

NM_001077653.2(TBX20):c.403del (p.Val135fs)

Gene: TBX20 (T-box transcription factor 20; minus strand). Cytogenetic location: 7p14.2.
Variant type: Deletion.
Coding change: c.403del on transcript NM_001077653.2 (MANE Select); coding-DNA position 403, one base deleted (G; older notation c.403delG).
Protein change: p.Val135fs; shifts the reading frame from valine 135.
Molecular consequence: frameshift variant.
Genome position (GRCh38, 1-based): chr7:35,248,819, C deleted on the plus strand (G on the coding strand, the reverse complement: TBX20 is on the minus strand); the first of 3 consecutive C bases (chr7:35,248,819-35,248,821); deleting any one gives the same sequence. VCF-style (leftmost placement, unchanged base first): chr7-35248818-AC-A. GRCh37 (hg19) VCF-style: chr7-35288430-AC-A.
Other names: c.403del, p.Val135fs (NM_001166220.1); short protein forms V135fs.
Identifiers: ClinVar variation 1436482 (VCV001436482.6), dbSNP rs2128715965, ClinGen allele CA2573142083.

ClinVar aggregate classification (germline): Pathogenic (1 of 4 stars; one submission).

Submission:

Labcorp Genetics (formerly Invitae), Labcorp
Classification: Pathogenic. Last evaluated: 2024-01-24. Review status: criteria provided, single submitter. Criteria: Invitae Variant Classification Sherloc (09022015). Collection method: clinical testing. Allele origin: germline.
Comment: This sequence change creates a premature translational stop signal (p.Val135Cysfs*13) in the TBX20 gene. It is expected to result in an absent or disrupted protein product. Loss-of-function variants in TBX20 are known to be pathogenic (PMID: 15901664, 25625280, 26118961, 27510170). This variant is not present in population databases (gnomAD no frequency). This variant has not been reported in the literature in individuals affected with TBX20-related conditions. ClinVar contains an entry for this variant (Variation ID: 1436482). For these reasons, this variant has been classified as Pathogenic.

Literature cited by the submitters: PubMed 15901664; PubMed 25625280; PubMed 26118961; PubMed 27510170.